The following is an entry in ClinVar:

NM_000218.3(KCNQ1):c.1393+25879A>G

Genes: KCNQ1 (potassium voltage-gated channel subfamily Q member 1; plus strand), KCNQ1OT1 (KCNQ1 opposite strand/antisense transcript 1; minus strand). Cytogenetic location: 11p15.5.
Variant type: single nucleotide variant.
Coding change: c.1393+25879A>G on transcript NM_000218.3 (MANE Select); 25879 bases into the intron after coding-DNA position 1393, A replaced by G.
Molecular consequence: intron variant. On other transcripts: non-coding transcript variant (1).
Genome position (GRCh38, 1-based): chr11:2,614,733, A>G. VCF-style: chr11-2614733-A-G. GRCh37 (hg19) VCF-style: chr11-2635963-A-G.
Other names: c.1123+25879A>G (NM_001406837.1); c.1297+25879A>G (NM_001406836.1); c.853+25879A>G (NM_001406838.1); c.1012+25879A>G (NM_181798.2).
Identifiers: ClinVar variation 3029562 (VCV003029562.2), dbSNP rs749377813, ClinGen allele CA216359041.
Genomic context (GRCh38, chr11:2,614,733, plus strand): 5'-GAATTGATCATATATGTGAGTGTTTATTTCTACATTCTCTATTATATTCCATTGGTCTAT[A>G]TGTCCATCCTTGTGTCCTAGAGACCACATTGTGTCAGTACCACATTGTTTTGATTACTGC-3'

ClinVar aggregate classification (germline): Likely benign (0 of 4 stars; one submission).

Conditions:
KCNQ1-related disorder. Also called: KCNQ1-related disorders; KCNQ1-related condition. Identifiers: MedGen CN239322.

Allele frequency attached by ClinVar (database versions not stated): TOPMed 0.00004; gnomAD 0.00007; gnomAD exomes 0.00013.
gnomAD v4.1: 44 of 398,286 alleles (0.011%); highest among the groups gnomAD compares: South Asian, 0.064%; no homozygotes.

Submission:

PreventionGenetics, part of Exact Sciences
Classification: Likely benign for KCNQ1-related condition. Last evaluated: 2022-02-23. Review status: no assertion criteria provided. Collection method: clinical testing. Allele origin: germline.
Comment: This variant is classified as likely benign based on ACMG/AMP sequence variant interpretation guidelines (Richards et al. 2015 PMID: 25741868, with internal and published modifications).